The following is an entry in ClinVar:

NM_032217.5(ANKRD17):c.620C>T (p.Ser207Phe)

Gene: ANKRD17 (ankyrin repeat domain 17; minus strand). Cytogenetic location: 4q13.3.
Variant type: single nucleotide variant.
Coding change: c.620C>T on transcript NM_032217.5 (MANE Select); coding-DNA position 620, C replaced by T.
Protein change: p.Ser207Phe; replaces serine 207 with phenylalanine.
Molecular consequence: missense variant.
Genome position (GRCh38, 1-based): chr4:73,161,276, G>A on the plus strand (C>T on the coding strand, the complement: ANKRD17 is on the minus strand). VCF-style: chr4-73161276-G-A. GRCh37 (hg19) VCF-style: chr4-74026993-G-A.
Other names: c.281C>T, p.Ser94Phe (NM_001286771.3); c.620C>T, p.Ser207Phe (NM_015574.2, NM_198889.3); short protein forms S207F, S94F.
Identifiers: ClinVar variation 2571752 (VCV002571752.1), dbSNP rs2531357660, ClinGen allele CA357229519.

ClinVar aggregate classification (germline): Uncertain significance (1 of 4 stars; one submission).

Submission:

GeneDx
Classification: Uncertain significance. Last evaluated: 2023-01-04. Review status: criteria provided, single submitter. Criteria: GeneDx Variant Classification Process June 2021. Collection method: clinical testing. Allele origin: germline. Affected: yes.
Comment: Not observed at significant frequency in large population cohorts (gnomAD); In silico analysis supports that this missense variant has a deleterious effect on protein structure/function; Has not been previously published as pathogenic or benign to our knowledge